The following is an entry in ClinVar:

NM_006164.5(NFE2L2):c.1213C>G (p.Gln405Glu)

Gene: NFE2L2 (NFE2 like bZIP transcription factor 2; minus strand). Cytogenetic location: 2q31.2.
Variant type: single nucleotide variant.
Coding change: c.1213C>G on transcript NM_006164.5 (MANE Select); coding-DNA position 1213, C replaced by G.
Protein change: p.Gln405Glu; replaces glutamine 405 with glutamic acid.
Molecular consequence: missense variant.
Genome position (GRCh38, 1-based): chr2:177,231,390, G>C on the plus strand (C>G on the coding strand, the complement: NFE2L2 is on the minus strand). VCF-style: chr2-177231390-G-C. GRCh37 (hg19) VCF-style: chr2-178096118-G-C.
Other names: c.1165C>G, p.Gln389Glu (NM_001145412.3, NM_001313900.1, NM_001313901.1); c.1144C>G, p.Gln382Glu (NM_001145413.3); c.1123C>G, p.Gln375Glu (NM_001313902.2); c.994C>G, p.Gln332Glu (NM_001313903.2); c.913C>G, p.Gln305Glu (NM_001313904.1); short protein forms Q305E, Q332E, Q375E, Q382E, Q389E, Q405E.
Identifiers: ClinVar variation 3612334 (VCV003612334.2).

ClinVar aggregate classification (germline): Uncertain significance (1 of 4 stars; one submission).

gnomAD v4.1: 6 of 1,614,246 alleles (0.00037%); highest among the groups gnomAD compares: East Asian, 0.013%; no homozygotes.

Submission:

Labcorp Genetics (formerly Invitae), Labcorp
Classification: Uncertain significance. Last evaluated: 2024-11-11. Review status: criteria provided, single submitter. Criteria: Invitae Variant Classification Sherloc (09022015). Collection method: clinical testing. Allele origin: germline.
Comment: This sequence change replaces glutamine, which is neutral and polar, with glutamic acid, which is acidic and polar, at codon 405 of the NFE2L2 protein (p.Gln405Glu). This variant is present in population databases (rs761660117, gnomAD 0.03%). This variant has not been reported in the literature in individuals affected with NFE2L2-related conditions. Invitae Evidence Modeling of protein sequence and biophysical properties (such as structural, functional, and spatial information, amino acid conservation, physicochemical variation, residue mobility, and thermodynamic stability) indicates that this missense variant is not expected to disrupt NFE2L2 protein function with a negative predictive value of 80%. In summary, the available evidence is currently insufficient to determine the role of this variant in disease. Therefore, it has been classified as a Variant of Uncertain Significance.